The following is an entry in ClinVar:

NM_007294.4(BRCA1):c.100C>G (p.Pro34Ala)

Gene: BRCA1 (BRCA1 DNA repair associated; minus strand). Cytogenetic location: 17q21.31.
Variant type: single nucleotide variant.
Coding change: c.100C>G on transcript NM_007294.4 (MANE Select); coding-DNA position 100, C replaced by G.
Protein change: p.Pro34Ala; replaces proline 34 with alanine.
Molecular consequence: missense variant. On other transcripts: non-coding transcript variant (1), intron variant (1).
Genome position (GRCh38, 1-based): chr17:43,115,760, G>C on the plus strand (C>G on the coding strand, the complement: BRCA1 is on the minus strand). VCF-style: chr17-43115760-G-C. GRCh37 (hg19) VCF-style: chr17-41267777-G-C.
Other names: c.-89C>G (NM_001407571.1, NM_001407853.1, NM_001407879.1 and 52 more transcripts); c.100C>G, p.Pro34Ala (NM_001407581.1, NM_001407582.1, NM_001407583.1 and 192 more transcripts); c.-158C>G (NM_001407694.1, NM_001407696.1, NM_001407724.1 and 13 more transcripts); c.-162C>G (NM_001407695.1, NM_001408465.1); c.-42C>G (NM_001407697.1, NM_001407725.1, NM_001407728.1 and 47 more transcripts); c.-38C>G (NM_001407841.1); c.-205C>G (NM_001407889.1, NM_001407900.1, NM_001408492.1); c.-204C>G (NM_001407960.1, NM_001407962.1, NM_001408510.1 and 1 more transcripts); and 2 more; short protein forms P34A.
Identifiers: ClinVar variation 865118 (VCV000865118.3), dbSNP rs1064793357, ClinGen allele CA10601952.

Conditions:
Breast-ovarian cancer, familial, susceptibility to, 1 (BROVCA1). Also called: BRCA1 Hereditary Breast and Ovarian Cancer; OVARIAN CANCER, SUSCEPTIBILITY TO. Identifiers: Orphanet 145, MedGen C2676676, MONDO:0011450, OMIM 604370. Disease mechanism: loss of function.

Submission:

Brotman Baty Institute, University of Washington
No classification provided (evidence only). Condition: Breast-ovarian cancer, familial 1. Review status: no classification provided. Collection method: in vitro. Allele origin: not applicable. Functional consequence: functionally_normal.
ClinVar note: "not provided" was previously submitted as the classification for the variant. However, the classification appeared to be based only on an observation of functional data so it was converted to no classification on 2025-07-30.